The following is an entry in ClinVar:

NM_000057.4(BLM):c.1966A>T (p.Met656Leu)

Gene: BLM (BLM RecQ like helicase; plus strand). Cytogenetic location: 15q26.1.
Variant type: single nucleotide variant.
Coding change: c.1966A>T on transcript NM_000057.4 (MANE Select); coding-DNA position 1966, A replaced by T.
Protein change: p.Met656Leu; replaces methionine 656 with leucine.
Molecular consequence: missense variant.
Genome position (GRCh38, 1-based): chr15:90,763,049, A>T. VCF-style: chr15-90763049-A-T. GRCh37 (hg19) VCF-style: chr15-91306279-A-T.
Other names: c.1966A>T, p.Met656Leu (NM_001287246.2, NM_001287247.2); c.841A>T, p.Met281Leu (NM_001287248.2); short protein forms M281L, M656L.
Identifiers: ClinVar variation 3991626 (VCV003991626.1).

ClinVar aggregate classification (germline): Uncertain significance (1 of 4 stars; one submission).

Conditions:
Hereditary cancer-predisposing syndrome. Also called: Tumor predisposition; Hereditary neoplastic syndrome; Neoplastic Syndromes, Hereditary; Hereditary Cancer Syndrome. Identifiers: Orphanet 140162, MedGen C0027672, MeSH D009386, MONDO:0015356.

Submission:

Ambry Genetics
Classification: Uncertain significance for Hereditary cancer-predisposing syndrome. Last evaluated: 2025-03-18. Review status: criteria provided, single submitter. Criteria: Ambry Variant Classification Scheme 2023. Collection method: clinical testing. Allele origin: germline.
Comment: The p.M656L variant (also known as c.1966A>T), located in coding exon 7 of the BLM gene, results from an A to T substitution at nucleotide position 1966. The methionine at codon 656 is replaced by leucine, an amino acid with highly similar properties. This amino acid position is conserved. In addition, this alteration is predicted to be tolerated by in silico analysis. Based on the available evidence, the clinical significance of this variant remains unclear.